The following is an entry in ClinVar:

ClinVar aggregate classification (germline): Uncertain significance (1 of 4 stars; one submission).

Conditions:
Cutis laxa, autosomal dominant 3 (ADCL3). Identifiers: Orphanet 90348, MedGen C4225268, MONDO:0014706, OMIM 616603.
Autosomal dominant spastic paraplegia type 9. Identifiers: MedGen C1832669, MONDO:0015091.
de Barsy syndrome. Also called: Cutis laxa-corneal clouding-oligophrenia syndrome. Identifiers: Orphanet 2962, MedGen C0268354, MONDO:0017569.

Submission:

Labcorp Genetics (formerly Invitae), Labcorp
Classification: Uncertain significance for Autosomal dominant spastic paraplegia type 9; de Barsy syndrome; Cutis laxa, autosomal dominant 3. Last evaluated: 2023-07-18. Review status: criteria provided, single submitter. Criteria: Invitae Variant Classification Sherloc (09022015). Collection method: clinical testing. Allele origin: germline.
Comment: This sequence change replaces proline, which is neutral and non-polar, with alanine, which is neutral and non-polar, at codon 34 of the ALDH18A1 protein (p.Pro34Ala). This variant is not present in population databases (gnomAD no frequency). This variant has not been reported in the literature in individuals affected with ALDH18A1-related conditions. An algorithm developed to predict the effect of missense changes on protein structure and function (PolyPhen-2) suggests that this variant is likely to be tolerated. In summary, the available evidence is currently insufficient to determine the role of this variant in disease. Therefore, it has been classified as a Variant of Uncertain Significance.

NM_002860.4(ALDH18A1):c.100C>G (p.Pro34Ala)

Gene: ALDH18A1 (aldehyde dehydrogenase 18 family member A1; minus strand). Cytogenetic location: 10q24.1.
Variant type: single nucleotide variant.
Coding change: c.100C>G on transcript NM_002860.4 (MANE Select); coding-DNA position 100, C replaced by G.
Protein change: p.Pro34Ala; replaces proline 34 with alanine.
Molecular consequence: missense variant. On other transcripts: intron variant (4).
Genome position (GRCh38, 1-based): chr10:95,643,195, G>C on the plus strand (C>G on the coding strand, the complement: ALDH18A1 is on the minus strand). VCF-style: chr10-95643195-G-C. GRCh37 (hg19) VCF-style: chr10-97402952-G-C.
Other names: c.100C>G, p.Pro34Ala (NM_001017423.2, NM_001323413.2, NM_001323414.2 and 2 more transcripts); c.-78-9546C>G (NM_001323419.2); c.-30-5759C>G (NM_001323412.2, NM_001323418.2, NM_001323416.2); short protein forms P34A.
Identifiers: ClinVar variation 2949228 (VCV002949228.3), dbSNP rs2526937261, ClinGen allele CA377708532.
Genomic context (GRCh38, chr10:95,643,195, plus strand): 5'-TGAGGGGTACAGTGATAAACGGGATGTTGCTCCAAGAACGAACATGTCTGATGACTGAAG[G>C]CTGGATACAATCTGTAGCCATCAAAGTCAAATGCAAGAAAAAAAGAAATACTCAATATAG-3'
Protein context (NP_002851.2, residues 24-44): TTVFRSHCIQ[Pro34Ala]SVIRHVRSWS